The following is an entry in ClinVar:

ClinVar aggregate classification (germline): Conflicting classifications of pathogenicity. Review status: criteria provided, conflicting classifications (1 of 4 stars). 3 submissions from 3 submitters: Uncertain significance (1); Likely benign (2). Last evaluated 2026-01-12.

Conditions:
Catecholaminergic polymorphic ventricular tachycardia 1. Also called: VENTRICULAR TACHYCARDIA, STRESS-INDUCED POLYMORPHIC 1; VENTRICULAR TACHYCARDIA, CATECHOLAMINERGIC POLYMORPHIC, 1, WITH OR WITHOUT ATRIAL DYSFUNCTION AND/OR DILATED CARDIOMYOPATHY; RYR2-Related Catecholaminergic Polymorphic Ventricular Tachycardia. Identifiers: Orphanet 3286, MedGen C1631597, MONDO:0011484, OMIM 604772.
Cardiovascular phenotype. Identifiers: MedGen CN230736.
Catecholaminergic polymorphic ventricular tachycardia (CVPT). Also called: Catecholamine-induced polymorphic ventricular tachycardia. Identifiers: Orphanet 3286, MedGen C5574922, MONDO:0017990.

Allele frequency attached by ClinVar (database versions not stated): gnomAD exomes below 0.00001; gnomAD 0.00001.
gnomAD v4.1: 1 of 1,566,288 alleles (0.000064%); highest among the groups gnomAD compares: Non-Finnish European, 0.000087%; no homozygotes.

Submissions (3):

Labcorp Genetics (formerly Invitae), Labcorp
Classification: Likely benign for Catecholaminergic polymorphic ventricular tachycardia 1. Last evaluated: 2026-01-12. Review status: criteria provided, single submitter. Criteria: Invitae Variant Classification Sherloc (09022015). Collection method: clinical testing. Allele origin: germline.

All of Us Research Program, National Institutes of Health
Classification: Uncertain significance for Catecholaminergic polymorphic ventricular tachycardia. Last evaluated: 2023-08-23. Review status: criteria provided, single submitter. Criteria: ACMG Guidelines, 2015. Collection method: clinical testing. Allele origin: germline. Inheritance: Autosomal dominant inheritance. Observed: 1 variant allele, 1 heterozygote.
Comment: This variant is located in the RYR2 protein. To our knowledge, functional studies have not been reported for this variant. This variant has not been reported in individuals affected with RYR2-related disorders in the literature. This variant has not been identified in the general population by the Genome Aggregation Database (gnomAD). The available evidence is insufficient to determine the role of this variant in disease conclusively. Therefore, this variant is classified as a Variant of Uncertain Significance.

This study involves interpretation of variants in research participants for the purpose of population health screening. Participant phenotype was not available at the time of variant classification. Additional details can be found in publication PMID: 35346344, PMCID: PMC8962531

Ambry Genetics
Classification: Likely benign for Cardiovascular phenotype. Last evaluated: 2019-11-04. Review status: criteria provided, single submitter. Criteria: Ambry Variant Classification Scheme 2023. Collection method: clinical testing. Allele origin: germline.

NM_001035.3(RYR2):c.11118T>C (p.Asp3706=)

Gene: RYR2 (ryanodine receptor 2; plus strand). Cytogenetic location: 1q43.
Variant type: single nucleotide variant.
Coding change: c.11118T>C on transcript NM_001035.3 (MANE Select); coding-DNA position 11118, T replaced by C.
Protein change: p.Asp3706=; no amino-acid change (aspartic acid 3706 retained).
Molecular consequence: synonymous variant.
Genome position (GRCh38, 1-based): chr1:237,742,322, T>C. VCF-style: chr1-237742322-T-C. GRCh37 (hg19) VCF-style: chr1-237905622-T-C.
Identifiers: ClinVar variation 1622237 (VCV001622237.12), dbSNP rs1691685791, ClinGen allele CA423821318.